The following is an entry in ClinVar:

NM_020765.3(UBR4):c.5760+3G>A

Gene: UBR4 (ubiquitin protein ligase E3 component n-recognin 4; minus strand). Cytogenetic location: 1p36.13.
Variant type: single nucleotide variant.
Coding change: c.5760+3G>A on transcript NM_020765.3 (MANE Select); 3 bases into the intron after coding-DNA position 5760, G replaced by A.
Molecular consequence: intron variant.
Genome position (GRCh38, 1-based): chr1:19,157,812, C>T on the plus strand (G>A on the coding strand, the complement: UBR4 is on the minus strand). VCF-style: chr1-19157812-C-T. GRCh37 (hg19) VCF-style: chr1-19484306-C-T.
Identifiers: ClinVar variation 732339 (VCV000732339.6), dbSNP rs144933370, ClinGen allele CA650493.

ClinVar aggregate classification (germline): Likely benign. Review status: criteria provided, single submitter (1 of 4 stars). 2 submissions from 2 submitters: Likely benign (1). 1 of the submissions does not count toward it. Last evaluated 2019-12-31.

Conditions:
UBR4-related disorder. Also called: UBR4-related condition.

Allele frequency attached by ClinVar (database versions not stated): TOPMed 0.00068; ESP Exome Variant Server 0.00100; 1000 Genomes Project 30x 0.00219; 1000 Genomes Project 0.00240.
gnomAD v4.1: 264 of 1,613,430 alleles (0.016%); highest among the groups gnomAD compares: African/African-American, 0.27%; 1 homozygote.

Submissions (2):

Labcorp Genetics (formerly Invitae), Labcorp
Classification: Likely benign. Last evaluated: 2019-12-31. Review status: criteria provided, single submitter. Criteria: Invitae Variant Classification Sherloc (09022015). Collection method: clinical testing. Allele origin: germline.

PreventionGenetics, part of Exact Sciences
Classification: Likely benign for UBR4-related condition. Last evaluated: 2024-05-10. Review status: no assertion criteria provided. Collection method: clinical testing. Allele origin: germline. Not counted in ClinVar's aggregate classification.
Comment: This variant is classified as likely benign based on ACMG/AMP sequence variant interpretation guidelines (Richards et al. 2015 PMID: 25741868, with internal and published modifications).